The following is an entry in ClinVar:

NM_005502.4(ABCA1):c.5415C>T (p.Ser1805=)

Gene: ABCA1 (ATP binding cassette subfamily A member 1; minus strand). Cytogenetic location: 9q31.1.
Variant type: single nucleotide variant.
Coding change: c.5415C>T on transcript NM_005502.4 (MANE Select); coding-DNA position 5415, C replaced by T.
Protein change: p.Ser1805=; no amino-acid change (serine 1805 retained).
Molecular consequence: synonymous variant.
Genome position (GRCh38, 1-based): chr9:104,794,478, G>A on the plus strand (C>T on the coding strand, the complement: ABCA1 is on the minus strand). VCF-style: chr9-104794478-G-A. GRCh37 (hg19) VCF-style: chr9-107556759-G-A.
Identifiers: ClinVar variation 1747390 (VCV001747390.16), dbSNP rs770114079, ClinGen allele CA5167829.
Genomic context (GRCh38, chr9:104,794,478, plus strand): 5'-GTTTTTCACCATGTCGATGAGCCCTCGTCCCAGGCAAAAATGTGGGAAGATCAAGAACAC[G>A]GACTTCAGGATATCATTGATATTATTCAGCTTCTAAAAAAAAAAAAAAAAAATGGGAGGG-3'
Protein context (NP_005493.2, residues 1795-1815): KLNNINDILK[Ser1805=]VFLIFPHFCL

ClinVar aggregate classification (germline): Likely benign. Review status: criteria provided, multiple submitters, no conflicts (2 of 4 stars). 3 submissions from 3 submitters: Likely benign (3). Last evaluated 2025-10-01.

Conditions:
Cardiovascular phenotype. Identifiers: MedGen CN230736.

Allele frequency attached by ClinVar (database versions not stated): gnomAD 0.00003; gnomAD exomes 0.00005; ExAC 0.00007.
gnomAD v4.1: 67 of 1,501,194 alleles (0.0045%); highest among the groups gnomAD compares: Admixed American, 0.0088%; no homozygotes.

Submissions (3):

Labcorp Genetics (formerly Invitae), Labcorp
Classification: Likely benign. Last evaluated: 2025-10-01. Review status: criteria provided, single submitter. Criteria: Invitae Variant Classification Sherloc (09022015). Collection method: clinical testing. Allele origin: germline.

CeGaT Center for Human Genetics Tuebingen
Classification: Likely benign. Last evaluated: 2025-09-01. Review status: criteria provided, single submitter. Criteria: CeGaT Center For Human Genetics Tuebingen Variant Classification Criteria Version 2. Collection method: clinical testing. Allele origin: germline. Affected: yes. Observed: 1 variant allele.
Comment: ABCA1: BP4, BP7

Ambry Genetics
Classification: Likely benign for Cardiovascular phenotype. Last evaluated: 2020-04-01. Review status: criteria provided, single submitter. Criteria: Ambry Variant Classification Scheme 2023. Collection method: clinical testing. Allele origin: germline.